The following is an entry in ClinVar:

NM_002227.4(JAK1):c.1925T>C (p.Met642Thr)

Genes: JAK1 (Janus kinase 1; minus strand), LOC126805749 (BRD4-independent group 4 enhancer GRCh37_chr1:65312286-65313485; plus strand). Cytogenetic location: 1p31.3.
Variant type: single nucleotide variant.
Coding change: c.1925T>C on transcript NM_002227.4 (MANE Select); coding-DNA position 1925, T replaced by C.
Protein change: p.Met642Thr; replaces methionine 642 with threonine.
Molecular consequence: missense variant.
Genome position (GRCh38, 1-based): chr1:64,846,711, A>G on the plus strand (T>C on the coding strand, the complement: JAK1 is on the minus strand). VCF-style: chr1-64846711-A-G. GRCh37 (hg19) VCF-style: chr1-65312394-A-G.
Other names: c.1925T>C, p.Met642Thr (NM_001320923.2, NM_001321852.2, NM_001321853.2 and 3 more transcripts); c.1922T>C, p.Met641Thr (NM_001321857.2); c.1925T>C (NM_002227.2); short protein forms M641T, M642T.
Identifiers: ClinVar variation 1036877 (VCV001036877.10), dbSNP rs754980003, ClinGen allele CA892796.
Genomic context (GRCh38, chr1:64,846,711, plus strand): 5'-TCCACGTCGCGGACACAGACGCCATAGAGGTACACGATGTGTTTGTGGGAGACCTGTCTC[A>G]TCATGCTGGCTGCCTCGAAGAAGGCCTGTGGGCGAGCAGGACATAGGAATGTCTCAGGCC-3'
Protein context (NP_002218.2, residues 632-652): SLAFFEAASM[Met642Thr]RQVSHKHIVY

ClinVar aggregate classification (germline): Uncertain significance. Review status: criteria provided, multiple submitters, no conflicts (2 of 4 stars). 2 submissions from 2 submitters: Uncertain significance (2). Last evaluated 2023-12-26.

Conditions:
Inborn genetic diseases. Identifiers: MedGen C0950123, MeSH D030342.

Allele frequency attached by ClinVar (database versions not stated): gnomAD exomes below 0.00001; ExAC 0.00001; gnomAD 0.00001; TOPMed 0.00001.
gnomAD v4.1: 3 of 1,613,228 alleles (0.00019%); highest among the groups gnomAD compares: Non-Finnish European, 0.00025%; no homozygotes.

Submissions (2):

Ambry Genetics
Classification: Uncertain significance for Inborn genetic diseases. Last evaluated: 2023-12-26. Review status: criteria provided, single submitter. Criteria: Ambry Variant Classification Scheme 2023. Collection method: clinical testing. Allele origin: germline.

Labcorp Genetics (formerly Invitae), Labcorp
Classification: Uncertain significance. Last evaluated: 2022-04-26. Review status: criteria provided, single submitter. Criteria: Invitae Variant Classification Sherloc (09022015). Collection method: clinical testing. Allele origin: germline.
Comment: This variant has not been reported in the literature in individuals affected with JAK1-related conditions. This variant is present in population databases (rs754980003, gnomAD 0.002%). This sequence change replaces methionine, which is neutral and non-polar, with threonine, which is neutral and polar, at codon 642 of the JAK1 protein (p.Met642Thr). ClinVar contains an entry for this variant (Variation ID: 1036877). In summary, the available evidence is currently insufficient to determine the role of this variant in disease. Therefore, it has been classified as a Variant of Uncertain Significance. Algorithms developed to predict the effect of missense changes on protein structure and function are either unavailable or do not agree on the potential impact of this missense change (SIFT: "Not Available"; PolyPhen-2: "Probably Damaging"; Align-GVGD: "Not Available").